The following is an entry in ClinVar:

ClinVar aggregate classification (germline): Conflicting classifications of pathogenicity. Review status: criteria provided, conflicting classifications (1 of 4 stars). 4 submissions from 4 submitters: Likely pathogenic (1); Uncertain significance (3). Last evaluated 2025-11-18.

Conditions:
Wilms tumor 1 (WT1). Also called: Wilms tumor, somatic. Identifiers: Orphanet 654, MedGen CN033288, MONDO:0008679, OMIM 194070.
Drash syndrome (DDS). Also called: WILMS TUMOR AND PSEUDO- OR TRUE HERMAPHRODITISM; NEPHROPATHY, WILMS TUMOR, AND GENITAL ANOMALIES. Identifiers: Orphanet 220, MedGen C0950121, MONDO:0008682, OMIM 194080.
Frasier syndrome. Identifiers: Orphanet 347, MedGen C0950122, MeSH D052159, MONDO:0007635, OMIM 136680.
11p partial monosomy syndrome (WAGR). Also called: CHROMOSOME 11p13 DELETION SYNDROME; WAGR Spectrum Disorder; WAGR syndrome; WAGR Complex. Identifiers: Orphanet 893, MedGen C0206115, MONDO:0008681, OMIM 194072.

Submissions (4):

Dasa
Classification: Uncertain significance. Last evaluated: 2025-11-18. Review status: criteria provided, single submitter. Criteria: DASA Assertion Criteria. Collection method: clinical testing. Allele origin: germline.
Comment: NM_024426.6(WT1):c.649A>G (p.Ile217Val) is a missense variant that results in the substitution of isoleucine with valine. This variant is absent from population databases. Computational prediction algorithms are consistent with a benign effect. The currently available literature and clinical evidence are not sufficient to establish a definitive association between this variant and the reported condition. Therefore, this variant is classified as a variant of uncertain significance.

Labcorp Genetics (formerly Invitae), Labcorp
Classification: Uncertain significance for Wilms tumor 1; Drash syndrome; 11p partial monosomy syndrome; Frasier syndrome. Last evaluated: 2023-10-22. Review status: criteria provided, single submitter. Criteria: Invitae Variant Classification Sherloc (09022015). Collection method: clinical testing. Allele origin: germline.
Comment: This sequence change replaces isoleucine, which is neutral and non-polar, with valine, which is neutral and non-polar, at codon 212 of the WT1 protein (p.Ile212Val). This variant is not present in population databases (gnomAD no frequency). This variant has not been reported in the literature in individuals affected with WT1-related conditions. ClinVar contains an entry for this variant (Variation ID: 584758). An algorithm developed to predict the effect of missense changes on protein structure and function (PolyPhen-2) suggests that this variant is likely to be tolerated. In summary, the available evidence is currently insufficient to determine the role of this variant in disease. Therefore, it has been classified as a Variant of Uncertain Significance.

Molecular Genetics and NGS Laboratory, Hospital Fundacion Valle Del Lili
Classification: Likely pathogenic for Wilms tumor 1. Last evaluated: 2023-07-08. Review status: criteria provided, single submitter. Criteria: ACMG Guidelines, 2015. Collection method: clinical testing. Allele origin: germline. Affected: yes. Observed: 1 variant allele.
Comment: In summary, the p.Ile217Val variant meets our criteria to be classified as likely pathogenic.

Mendelics
Classification: Uncertain significance for Wilms tumor 1. Last evaluated: 2018-07-02. Review status: criteria provided, single submitter. Criteria: Mendelics Assertion Criteria 2017. Collection method: clinical testing. Allele origin: unknown.

NM_024426.6(WT1):c.649A>G (p.Ile217Val)

Genes: WT1 (WT1 transcription factor; minus strand), LOC107982234 (WT1/WT1-AS bi-directional promoter region; plus strand). Cytogenetic location: 11p13.
Variant type: single nucleotide variant.
Coding change: c.649A>G on transcript NM_024426.6 (MANE Select); coding-DNA position 649, A replaced by G.
Protein change: p.Ile217Val; replaces isoleucine 217 with valine.
Molecular consequence: missense variant. On other transcripts: non-coding transcript variant (1).
Genome position (GRCh38, 1-based): chr11:32,434,712, T>C on the plus strand (A>G on the coding strand, the complement: WT1 is on the minus strand). VCF-style: chr11-32434712-T-C. GRCh37 (hg19) VCF-style: chr11-32456258-T-C.
Other names: p.Ile217Val; c.649A>G, p.Ile217Val (NM_000378.6, NM_024424.5); short protein forms I217V.
Identifiers: ClinVar variation 584758 (VCV000584758.17), dbSNP rs1384974578, ClinGen allele CA379964419.
Genomic context (GRCh38, chr11:32,434,712, plus strand): 5'-CCTGGCGCCACTGCCCCGCGCGTAGGGGGCGCTCCCCGGCCTACTTACCCTGATTGCGAA[T>C]AGCGGGCTGGCTCTCGAGGCAGCTGGGCAGGTAGGGCGCGTTAGGAAACATCCTGGCCTG-3'
Protein context (NP_077744.4, residues 207-227): LPSCLESQPA[Ile217Val]RNQGYSTVTF